The following is an entry in ClinVar:

NM_001042492.3(NF1):c.2377A>G (p.Asn793Asp)

Gene: NF1 (neurofibromin 1; plus strand). Cytogenetic location: 17q11.2.
Variant type: single nucleotide variant.
Coding change: c.2377A>G on transcript NM_001042492.3 (MANE Select); coding-DNA position 2377, A replaced by G.
Protein change: p.Asn793Asp; replaces asparagine 793 with aspartic acid.
Molecular consequence: missense variant.
Genome position (GRCh38, 1-based): chr17:31,227,574, A>G. VCF-style: chr17-31227574-A-G. GRCh37 (hg19) VCF-style: chr17-29554592-A-G.
Other names: c.2377A>G, p.Asn793Asp (NM_000267.4); short protein forms N793D.
Identifiers: ClinVar variation 1380843 (VCV001380843.6), dbSNP rs2067038668, ClinGen allele CA398983202.

ClinVar aggregate classification (germline): Uncertain significance (1 of 4 stars; one submission).

Conditions:
Neurofibromatosis, type 1 (NF1). Also called: VON RECKLINGHAUSEN DISEASE; Peripheral type neurofibromatosis; Neurofibromatosis, type I; NEUROFIBROMATOSIS, TYPE I, SOMATIC. Identifiers: Orphanet 636, MedGen C0027831, MONDO:0018975, OMIM 162200. Disease mechanism: loss of function.

Allele frequency attached by ClinVar (database versions not stated): gnomAD exomes below 0.00001.
gnomAD v4.1: 1 of 1,613,894 alleles (0.000062%); no homozygotes.

Submission:

Labcorp Genetics (formerly Invitae), Labcorp
Classification: Uncertain significance for Neurofibromatosis, type 1. Last evaluated: 2021-09-21. Review status: criteria provided, single submitter. Criteria: Invitae Variant Classification Sherloc (09022015). Collection method: clinical testing. Allele origin: germline.
Comment: In summary, the available evidence is currently insufficient to determine the role of this variant in disease. Therefore, it has been classified as a Variant of Uncertain Significance. Advanced modeling of protein sequence and biophysical properties (such as structural, functional, and spatial information, amino acid conservation, physicochemical variation, residue mobility, and thermodynamic stability) performed at Invitae indicates that this missense variant is not expected to disrupt NF1 protein function. This variant has not been reported in the literature in individuals affected with NF1-related conditions. This variant is not present in population databases (ExAC no frequency). This sequence change replaces asparagine with aspartic acid at codon 793 of the NF1 protein (p.Asn793Asp). The asparagine residue is moderately conserved and there is a small physicochemical difference between asparagine and aspartic acid.